The following is an entry in ClinVar:

ClinVar aggregate classification (germline): Uncertain significance (1 of 4 stars; one submission).

Submission:

GeneDx
Classification: Uncertain significance. Last evaluated: 2025-10-09. Review status: criteria provided, single submitter. Criteria: GeneDx Variant Classification Process June 2021. Collection method: clinical testing. Allele origin: germline. Affected: yes.
Comment: Not observed at significant frequency in large population cohorts (gnomAD); In silico analysis supports that this missense variant has a deleterious effect on protein structure/function; Has not been previously published as pathogenic or benign to our knowledge; This variant is associated with the following publications: (PMID: 10939567)

NM_170707.4(LMNA):c.767T>C (p.Val256Ala)

Gene: LMNA (lamin A/C; plus strand). Cytogenetic location: 1q22.
Variant type: single nucleotide variant.
Coding change: c.767T>C on transcript NM_170707.4 (MANE Select); coding-DNA position 767, T replaced by C.
Protein change: p.Val256Ala; replaces valine 256 with alanine.
Molecular consequence: missense variant.
Genome position (GRCh38, 1-based): chr1:156,134,932, T>C. VCF-style: chr1-156134932-T-C. GRCh37 (hg19) VCF-style: chr1-156104723-T-C.
Other names: c.431T>C, p.Val144Ala (NM_001257374.3, NM_001406989.1, NM_001406998.1); c.524T>C, p.Val175Ala (NM_001282624.2, NM_001406986.1, NM_001406987.1); c.767T>C, p.Val256Ala (NM_001282625.2, NM_001282626.2, NM_001406983.1 and 6 more transcripts); c.470T>C, p.Val157Ala (NM_001406988.1); c.209T>C, p.Val70Ala (NM_001406990.1, NM_001406993.1, NM_001406995.1 and 4 more transcripts); c.103T>C, p.Trp35Arg (NM_001406994.1, NM_001406999.1, NM_001407000.1 and 1 more transcripts); short protein forms V144A, V157A, V175A, V256A, V70A, W35R.
Identifiers: ClinVar variation 1706791 (VCV001706791.3), dbSNP rs2527974705, ClinGen allele CA342817362.